The following is an entry in ClinVar:

ClinVar aggregate classification (germline): Benign (1 of 4 stars; one submission).

Conditions:
Papillary renal cell carcinoma type 1 (RCCP1). Also called: Renal adenocarcinoma; Renal cell carcinoma 1; Renal cell carcinoma, somatic; RENAL CELL CARCINOMA, PAPILLARY, 1, SOMATIC. Identifiers: Orphanet 47044, MedGen C1336839, OMIM 605074, HP:0011797.

gnomAD v4.1: 1 of 1,613,932 alleles (0.000062%); highest among the groups gnomAD compares: Non-Finnish European, 0.000085%; no homozygotes.

Submission:

Myriad Genetics, Inc.
Classification: Benign for Papillary renal cell carcinoma type 1. Last evaluated: 2024-11-06. Review status: criteria provided, single submitter. Criteria: Myriad Autosomal Dominant, Autosomal Recessive and X-Linked Classification Criteria (2023). Collection method: clinical testing. Allele origin: unknown.
Comment: This variant is considered benign. This variant is a silent/synonymous amino acid change and it is not expected to impact splicing.

NM_000245.4(MET):c.102G>A (p.Glu34=)

Gene: MET (MET proto-oncogene, receptor tyrosine kinase; plus strand). Cytogenetic location: 7q31.2.
Variant type: single nucleotide variant.
Coding change: c.102G>A on transcript NM_000245.4 (MANE Select); coding-DNA position 102, G replaced by A.
Protein change: p.Glu34=; no amino-acid change (glutamic acid 34 retained).
Molecular consequence: synonymous variant. On other transcripts: intron variant (1).
Genome position (GRCh38, 1-based): chr7:116,699,186, G>A. VCF-style: chr7-116699186-G-A. GRCh37 (hg19) VCF-style: chr7-116339240-G-A.
Other names: c.102G>A, p.Glu34= (NM_001127500.3, NM_001324401.3); c.-91+26609G>A (NM_001324402.2).
Identifiers: ClinVar variation 3773175 (VCV003773175.1).